The following is an entry in ClinVar:

NM_018109.4(MTPAP):c.659C>T (p.Ala220Val)

Gene: MTPAP (mitochondrial poly(A) polymerase; minus strand). Cytogenetic location: 10p11.23.
Variant type: single nucleotide variant.
Coding change: c.659C>T on transcript NM_018109.4 (MANE Select); coding-DNA position 659, C replaced by T.
Protein change: p.Ala220Val; replaces alanine 220 with valine.
Molecular consequence: missense variant.
Genome position (GRCh38, 1-based): chr10:30,336,924, G>A on the plus strand (C>T on the coding strand, the complement: MTPAP is on the minus strand). VCF-style: chr10-30336924-G-A. GRCh37 (hg19) VCF-style: chr10-30625853-G-A.
Other names: short protein forms A220V.
Identifiers: ClinVar variation 1914362 (VCV001914362.3), dbSNP rs374513843, ClinGen allele CA5459134.
Genomic context (GRCh38, chr10:30,336,924, plus strand): 5'-AACTTCCCAAAAGTGTTGACTGAGGAGCCAAAGGGTCTGACTATGCAGTCTGGAAAATAC[G>A]CGGCGGCCATGTCTTCAATAAGAGAACAGGTGAGATATCGGAGCTTAGTGTTCTCCTCTG-3'
Protein context (NP_060579.3, residues 210-230): TCSLIEDMAA[Ala220Val]YFPDCIVRPF

ClinVar aggregate classification (germline): Uncertain significance (1 of 4 stars; one submission).

Allele frequency attached by ClinVar (database versions not stated): ExAC 0.00001; gnomAD exomes 0.00002; gnomAD 0.00003; TOPMed 0.00004; ESP Exome Variant Server 0.00008.
gnomAD v4.1: 32 of 1,613,238 alleles (0.002%); highest among the groups gnomAD compares: Non-Finnish European, 0.0025%; no homozygotes.

Submission:

Labcorp Genetics (formerly Invitae), Labcorp
Classification: Uncertain significance. Last evaluated: 2022-11-16. Review status: criteria provided, single submitter. Criteria: Invitae Variant Classification Sherloc (09022015). Collection method: clinical testing. Allele origin: germline.
Comment: This variant is present in population databases (rs374513843, gnomAD 0.007%). In summary, the available evidence is currently insufficient to determine the role of this variant in disease. Therefore, it has been classified as a Variant of Uncertain Significance. Advanced modeling of protein sequence and biophysical properties (such as structural, functional, and spatial information, amino acid conservation, physicochemical variation, residue mobility, and thermodynamic stability) performed at Invitae indicates that this missense variant is not expected to disrupt MTPAP protein function. This variant has not been reported in the literature in individuals affected with MTPAP-related conditions. This sequence change replaces alanine, which is neutral and non-polar, with valine, which is neutral and non-polar, at codon 220 of the MTPAP protein (p.Ala220Val).